The following is an entry in ClinVar:

ClinVar aggregate classification (germline): Pathogenic. Review status: criteria provided, multiple submitters, no conflicts (2 of 4 stars). 7 submissions from 6 submitters: Pathogenic (7). Last evaluated 2025-11-13.

Conditions:
Hereditary cancer-predisposing syndrome. Also called: Hereditary Cancer Syndrome; Tumor predisposition; Hereditary neoplastic syndrome; Neoplastic Syndromes, Hereditary. Identifiers: Orphanet 140162, MedGen C0027672, MeSH D009386, MONDO:0015356.
Cardiovascular phenotype. Identifiers: MedGen CN230736.
Neurofibromatosis, type 1 (NF1). Also called: Neurofibromatosis, type I; Peripheral type neurofibromatosis; VON RECKLINGHAUSEN DISEASE; NEUROFIBROMATOSIS, TYPE I, SOMATIC. Identifiers: Orphanet 636, MedGen C0027831, MONDO:0018975, OMIM 162200. Disease mechanism: loss of function.

Submissions (7):

Labcorp Genetics (formerly Invitae), Labcorp
Classification: Pathogenic for Neurofibromatosis, type 1. Last evaluated: 2025-11-13. Review status: criteria provided, single submitter. Criteria: Invitae Variant Classification Sherloc (09022015). Collection method: clinical testing. Allele origin: germline.
Comment: This sequence change affects an acceptor splice site in intron 28 of the NF1 gene. It is expected to disrupt RNA splicing. Variants that disrupt the donor or acceptor splice site typically lead to a loss of protein function (PMID: 16199547), and loss-of-function variants in NF1 are known to be pathogenic (PMID: 10712197, 23913538). This variant is not present in population databases (gnomAD no frequency). Disruption of this splice site has been observed in individuals with neurofibromatosis type 1 (PMID: 21520333, 23913538; internal data). Invitae Evidence Modeling of clinical and family history, age, sex, and reported ancestry of multiple individuals with this NF1 variant has been performed. This variant is expected to be pathogenic with a positive predictive value of at least 99%. This is a validated machine learning model that incorporates the clinical features of 1,785,918 individuals referred to our laboratory for NF1 testing. ClinVar contains an entry for this variant (Variation ID: 428953). Algorithms developed to predict the effect of sequence changes on RNA splicing suggest that this variant may disrupt the consensus splice site. For these reasons, this variant has been classified as Pathogenic.

GeneDx
Classification: Pathogenic. Last evaluated: 2025-05-29. Review status: criteria provided, single submitter. Criteria: GeneDx Variant Classification Process June 2021. Collection method: clinical testing. Allele origin: germline.
Comment: Canonical splice site variant predicted to result in a null allele in a gene for which loss of function is a known mechanism of disease; Not observed at significant frequency in large population cohorts (gnomAD); This variant is associated with the following publications: (PMID: 16199547, 10712197, 23913538, 31573083, 39004713)

OLLIN Analises Genomicas, OLLIN
Classification: Pathogenic for Neurofibromatosis, type 1. Last evaluated: 2025-05-19. Review status: criteria provided, single submitter. Criteria: ACMG Guidelines 2015 PMID 25741868. Collection method: clinical testing. Allele origin: germline. Affected: yes. Observed: 1 variant allele.
Comment: The variant located at the canonical splicing site (splice acceptor) (chr17:31235916A>G), situated in intron 28 (of 58 exons), absent in gnomAD v4.1 non-UKB, is reported in ClinVar (VCV000428953.16). This variant is predicted to disrupt the canonical splice site, resulting in a truncated protein, or mRNA degradation via NMD or exon skipping. Another pathogenic variant has been reported at this same splicing site (PMID: 21520333, 23913538). According to currently available evidence, this variant has been classified as pathogenic (PVS1, PS1_P, PM2_P, PP4).

Molecular Pathology, Peter Maccallum Cancer Centre
Classification: Pathogenic for Neurofibromatosis, type 1. Last evaluated: 2025-02-10. Review status: criteria provided, single submitter. Criteria: ACMG Guidelines, 2015. Collection method: clinical testing. Allele origin: germline. Inheritance: Autosomal dominant inheritance.

Genome-Nilou Lab
Classification: Pathogenic for Neurofibromatosis, type 1. Last evaluated: 2022-03-15. Review status: criteria provided, single submitter. Criteria: ACMG Guidelines, 2015. Collection method: clinical testing. Allele origin: germline. Affected: no.

Ambry Genetics
Classification: Pathogenic for Cardiovascular phenotype; Hereditary cancer-predisposing syndrome. Last evaluated: 2020-04-10. Review status: criteria provided, single submitter. Criteria: Ambry Variant Classification Scheme 2023. Collection method: clinical testing. Allele origin: germline.
Comment: The c.3871-2A>G intronic pathogenic mutation results from an A to G substitution two nucleotides upstream from coding exon 29 of the NF1 gene. This mutation has been detected in an individual meeting NIH diagnostic criteria for Neurofibromatosis type 1 (NF1) and is predicted at the mRNA level to induce the skipping of exon 23 (r.3871_3974del104) (Sabbagh A et al. Hum. Mutat., 2013 Nov;34:1510-8). In addition to the clinical data presented in the literature, alterations that disrupt the canonical splice site are expected to cause aberrant splicing, resulting in an abnormal protein or a transcript that is subject to nonsense-mediated mRNA decay. As such, this alteration is classified as a disease-causing mutation.

Ambry Genetics
Classification: Pathogenic for Hereditary cancer-predisposing syndrome. Last evaluated: 2014-10-09. Review status: criteria provided, single submitter. Criteria: Ambry Autosomal Dominant and X-Linked criteria (10/2015). Collection method: clinical testing. Allele origin: germline. Observed: 1 variant allele.
Comment: the same text as in the submission from Ambry Genetics above.

Literature cited by the submitters: PubMed 16199547 (cited by Labcorp Genetics (formerly Invitae), Labcorp); PubMed 10712197 (cited by Labcorp Genetics (formerly Invitae), Labcorp); PubMed 23913538 (cited by Labcorp Genetics (formerly Invitae), Labcorp and OLLIN Analises Genomicas, OLLIN); PubMed 21520333 (cited by Labcorp Genetics (formerly Invitae), Labcorp and OLLIN Analises Genomicas, OLLIN).

NM_001042492.3(NF1):c.3871-2A>G

Gene: NF1 (neurofibromin 1; plus strand). Cytogenetic location: 17q11.2.
Variant type: single nucleotide variant.
Coding change: c.3871-2A>G on transcript NM_001042492.3 (MANE Select); the canonical splice acceptor site of the intron before coding-DNA position 3871, A replaced by G.
Molecular consequence: splice acceptor variant.
Genome position (GRCh38, 1-based): chr17:31,235,916, A>G. VCF-style: chr17-31235916-A-G. GRCh37 (hg19) VCF-style: chr17-29562934-A-G.
Other names: c.3871-2A>G (NM_000267.4).
Identifiers: ClinVar variation 428953 (VCV000428953.18), dbSNP rs1131691077, ClinGen allele CA398992973.